The following is an entry in ClinVar:

ClinVar aggregate classification (germline): Conflicting classifications of pathogenicity. Review status: criteria provided, conflicting classifications (1 of 4 stars). 2 submissions from 2 submitters: Uncertain significance (1); Likely benign (1). Last evaluated 2023-01-01.

Allele frequency attached by ClinVar (database versions not stated): ExAC 0.00004; gnomAD 0.00005; TOPMed 0.00006.
gnomAD v4.1: 68 of 1,208,787 alleles (0.0056%); highest among the groups gnomAD compares: Non-Finnish European, 0.0066%; no homozygotes.

Submissions (2):

CeGaT Center for Human Genetics Tuebingen
Classification: Likely benign. Last evaluated: 2023-01-01. Review status: criteria provided, single submitter. Criteria: CeGaT Center For Human Genetics Tuebingen Variant Classification Criteria Version 2. Collection method: clinical testing. Allele origin: germline. Affected: yes. Observed: 1 variant allele.
Comment: MAGEB2: BP4, BS2

Ambry Genetics
Classification: Uncertain significance. Last evaluated: 2022-12-27. Review status: criteria provided, single submitter. Criteria: Ambry Variant Classification Scheme 2023. Collection method: clinical testing. Allele origin: germline.

NM_002364.5(MAGEB2):c.43C>T (p.Arg15Cys)

Gene: MAGEB2 (MAGE family member B2; plus strand). Cytogenetic location: Xp21.2.
Variant type: single nucleotide variant.
Coding change: c.43C>T on transcript NM_002364.5 (MANE Select); coding-DNA position 43, C replaced by T.
Protein change: p.Arg15Cys; replaces arginine 15 with cysteine.
Molecular consequence: missense variant.
Genome position (GRCh38, 1-based): chrX:30,218,623, C>T. VCF-style: chrX-30218623-C-T. GRCh37 (hg19) VCF-style: chrX-30236740-C-T.
Other names: short protein forms R15C.
Identifiers: ClinVar variation 2375978 (VCV002375978.26), dbSNP rs747224013, ClinGen allele CA10375667.